The following is an entry in ClinVar:

ClinVar aggregate classification (germline): Uncertain significance (1 of 4 stars; one submission).

Submission:

Ambry Genetics
Classification: Uncertain significance. Last evaluated: 2024-07-11. Review status: criteria provided, single submitter. Criteria: Ambry Variant Classification Scheme 2023. Collection method: clinical testing. Allele origin: germline.
Comment: The p.V1256L variant (also known as c.3766G>C), located in coding exon 17 of the NPAT gene, results from a G to C substitution at nucleotide position 3766. The valine at codon 1256 is replaced by leucine, an amino acid with highly similar properties. This amino acid position is conserved. In addition, this alteration is predicted to be tolerated by in silico analysis. Based on the available evidence, the clinical significance of this variant remains unclear.

NM_002519.3(NPAT):c.3766G>C (p.Val1256Leu)

Gene: NPAT (nuclear protein, coactivator of histone transcription; minus strand). Cytogenetic location: 11q22.3.
Variant type: single nucleotide variant.
Coding change: c.3766G>C on transcript NM_002519.3 (MANE Select); coding-DNA position 3766, G replaced by C.
Protein change: p.Val1256Leu; replaces valine 1256 with leucine.
Molecular consequence: missense variant.
Genome position (GRCh38, 1-based): chr11:108,161,320, C>G on the plus strand (G>C on the coding strand, the complement: NPAT is on the minus strand). VCF-style: chr11-108161320-C-G. GRCh37 (hg19) VCF-style: chr11-108032047-C-G.
Other names: c.3787G>C, p.Val1263Leu (NM_001321307.1); short protein forms V1256L, V1263L.
Identifiers: ClinVar variation 3407175 (VCV003407175.1).